The following is an entry in ClinVar:

ClinVar aggregate classification (germline): Uncertain significance (1 of 4 stars; one submission).

Submission:

GeneDx
Classification: Uncertain significance. Last evaluated: 2025-05-14. Review status: criteria provided, single submitter. Criteria: GeneDx Variant Classification Process June 2021. Collection method: clinical testing. Allele origin: germline. Affected: yes.
Comment: Not observed at significant frequency in large population cohorts (gnomAD); In silico analysis supports that this missense variant has a deleterious effect on protein structure/function; Has not been previously published as pathogenic or benign to our knowledge

NM_003128.3(SPTBN1):c.4539T>G (p.His1513Gln)

Gene: SPTBN1 (spectrin beta, non-erythrocytic 1; plus strand). Cytogenetic location: 2p16.2.
Variant type: single nucleotide variant.
Coding change: c.4539T>G on transcript NM_003128.3 (MANE Select); coding-DNA position 4539, T replaced by G.
Protein change: p.His1513Gln; replaces histidine 1513 with glutamine.
Molecular consequence: missense variant.
Genome position (GRCh38, 1-based): chr2:54,645,972, T>G. VCF-style: chr2-54645972-T-G. GRCh37 (hg19) VCF-style: chr2-54873109-T-G.
Other names: c.4500T>G, p.His1500Gln (NM_178313.3); short protein forms H1500Q, H1513Q.
Identifiers: ClinVar variation 4529864 (VCV004529864.1).